The following is an entry in ClinVar:

ClinVar aggregate classification (germline): Uncertain significance (1 of 4 stars; one submission).

Conditions:
Pityriasis rubra pilaris (PRP). Also called: Pityriasis rubra pilaris--familial type. Identifiers: Orphanet 2897, MedGen C0032027, MONDO:0100017, OMIM 173200, MONDO:0008251.
Psoriasis 2. Identifiers: MedGen C1864497, MONDO:0011269, OMIM 602723.

gnomAD v4.1: 4 of 1,611,800 alleles (0.00025%); highest among the groups gnomAD compares: Non-Finnish European, 0.00034%; no homozygotes.

Submission:

Labcorp Genetics (formerly Invitae), Labcorp
Classification: Uncertain significance for Pityriasis rubra pilaris; Psoriasis 2. Last evaluated: 2024-02-10. Review status: criteria provided, single submitter. Criteria: Invitae Variant Classification Sherloc (09022015). Collection method: clinical testing. Allele origin: germline.
Comment: This sequence change replaces methionine, which is neutral and non-polar, with isoleucine, which is neutral and non-polar, at codon 617 of the CARD14 protein (p.Met617Ile). This variant also falls at the last nucleotide of exon 13, which is part of the consensus splice site for this exon. This variant is not present in population databases (gnomAD no frequency). This variant has not been reported in the literature in individuals affected with CARD14-related conditions. An algorithm developed to predict the effect of missense changes on protein structure and function (PolyPhen-2) suggests that this variant is likely to be tolerated. Variants that disrupt the consensus splice site are a relatively common cause of aberrant splicing (PMID: 17576681, 9536098). Algorithms developed to predict the effect of sequence changes on RNA splicing suggest that this variant may disrupt the consensus splice site. In summary, the available evidence is currently insufficient to determine the role of this variant in disease. Therefore, it has been classified as a Variant of Uncertain Significance.

Literature cited by the submitters: PubMed 17576681; PubMed 9536098.

NM_001366385.1(CARD14):c.1851G>T (p.Met617Ile)

Gene: CARD14 (caspase recruitment domain family member 14; plus strand). Cytogenetic location: 17q25.3.
Variant type: single nucleotide variant.
Coding change: c.1851G>T on transcript NM_001366385.1 (MANE Select); coding-DNA position 1851, G replaced by T.
Protein change: p.Met617Ile; replaces methionine 617 with isoleucine.
Molecular consequence: missense variant. On other transcripts: non-coding transcript variant (1).
Genome position (GRCh38, 1-based): chr17:80,198,591, G>T. VCF-style: chr17-80198591-G-T. GRCh37 (hg19) VCF-style: chr17-78172390-G-T.
Other names: c.1851G>T, p.Met617Ile (NM_001257970.1, NM_024110.4); c.1140G>T, p.Met380Ile (NM_052819.3); short protein forms M380I, M617I.
Identifiers: ClinVar variation 3762651 (VCV003762651.2).